The following is an entry in ClinVar:

ClinVar aggregate classification (germline): Uncertain significance (1 of 4 stars; one submission).

Allele frequency attached by ClinVar (database versions not stated): gnomAD exomes below 0.00001; ExAC 0.00001.
gnomAD v4.1: 1 of 1,611,774 alleles (0.000062%); highest among the groups gnomAD compares: Admixed American, 0.0017%; no homozygotes.

Submission:

Labcorp Genetics (formerly Invitae), Labcorp
Classification: Uncertain significance. Last evaluated: 2022-07-06. Review status: criteria provided, single submitter. Criteria: Invitae Variant Classification Sherloc (09022015). Collection method: clinical testing. Allele origin: germline.
Comment: This sequence change replaces proline, which is neutral and non-polar, with alanine, which is neutral and non-polar, at codon 606 of the ARHGAP31 protein (p.Pro606Ala). This variant is present in population databases (rs761842666, gnomAD 0.0009%). This variant has not been reported in the literature in individuals affected with ARHGAP31-related conditions. ClinVar contains an entry for this variant (Variation ID: 1358554). Algorithms developed to predict the effect of missense changes on protein structure and function (SIFT, PolyPhen-2, Align-GVGD) all suggest that this variant is likely to be tolerated. In summary, the available evidence is currently insufficient to determine the role of this variant in disease. Therefore, it has been classified as a Variant of Uncertain Significance.

NM_020754.4(ARHGAP31):c.1816C>G (p.Pro606Ala)

Gene: ARHGAP31 (Rho GTPase activating protein 31; plus strand). Cytogenetic location: 3q13.33.
Variant type: single nucleotide variant.
Coding change: c.1816C>G on transcript NM_020754.4 (MANE Select); coding-DNA position 1816, C replaced by G.
Protein change: p.Pro606Ala; replaces proline 606 with alanine.
Molecular consequence: missense variant.
Genome position (GRCh38, 1-based): chr3:119,409,666, C>G. VCF-style: chr3-119409666-C-G. GRCh37 (hg19) VCF-style: chr3-119128513-C-G.
Other names: short protein forms P606A.
Identifiers: ClinVar variation 1358554 (VCV001358554.6), dbSNP rs761842666, ClinGen allele CA2553906.